The following is an entry in ClinVar:

NM_001365951.3(KIF1B):c.3656T>G (p.Phe1219Cys)

Gene: KIF1B (kinesin family member 1B; plus strand). Cytogenetic location: 1p36.22.
Variant type: single nucleotide variant.
Coding change: c.3656T>G on transcript NM_001365951.3 (MANE Select); coding-DNA position 3656, T replaced by G.
Protein change: p.Phe1219Cys; replaces phenylalanine 1219 with cysteine.
Molecular consequence: missense variant.
Genome position (GRCh38, 1-based): chr1:10,343,255, T>G. VCF-style: chr1-10343255-T-G. GRCh37 (hg19) VCF-style: chr1-10403313-T-G.
Other names: c.3656T>G, p.Phe1219Cys (NM_001365952.1); c.3518T>G, p.Phe1173Cys (NM_015074.3); short protein forms F1219C, F1173C.
Identifiers: ClinVar variation 4092387 (VCV004092387.1).
Genomic context (GRCh38, chr1:10,343,255, plus strand): 5'-CTTTATAGTCTTGATCTTTGTCTTCCTTTCTTTGCAGTCCGCCTCAGCCGTGCCGCCGAT[T>G]CTTCCCTCCACCCATGCCACTGTCCAAGCCAGGTGAGCACTCGCTCCGCTTTTTGCATGA-3'
Protein context (NP_001352880.1, residues 1209-1229): LNSPPQPCRR[Phe1219Cys]FPPPMPLSKP

ClinVar aggregate classification (germline): Uncertain significance (1 of 4 stars; one submission).

Submission:

Ambry Genetics
Classification: Uncertain significance. Last evaluated: 2025-08-28. Review status: criteria provided, single submitter. Criteria: Ambry Variant Classification Scheme 2023. Collection method: clinical testing. Allele origin: germline.
Comment: The p.F1173C variant (also known as c.3518T>G), located in coding exon 31 of the KIF1B gene, results from a T to G substitution at nucleotide position 3518. The phenylalanine at codon 1173 is replaced by cysteine, an amino acid with highly dissimilar properties. This amino acid position is conserved. In addition, this alteration is predicted to be tolerated by in silico analysis. Based on the available evidence, the clinical significance of this variant remains unclear.